The following is an entry in ClinVar:

NM_001164688.2(RD3):c.202C>T (p.Arg68Trp)

Gene: RD3 (RD3 regulator of GUCY2D; minus strand). Cytogenetic location: 1q32.3.
Variant type: single nucleotide variant.
Coding change: c.202C>T on transcript NM_001164688.2 (MANE Select); coding-DNA position 202, C replaced by T.
Protein change: p.Arg68Trp; replaces arginine 68 with tryptophan.
Molecular consequence: missense variant.
Genome position (GRCh38, 1-based): chr1:211,481,214, G>A on the plus strand (C>T on the coding strand, the complement: RD3 is on the minus strand). VCF-style: chr1-211481214-G-A. GRCh37 (hg19) VCF-style: chr1-211654556-G-A.
Other names: c.202C>T, p.Arg68Trp (NM_183059.3); short protein forms R68W.
Identifiers: ClinVar variation 466320 (VCV000466320.7), dbSNP rs144697496, ClinGen allele CA1381125.

ClinVar aggregate classification (germline): Uncertain significance. Review status: criteria provided, multiple submitters, no conflicts (2 of 4 stars). 2 submissions from 2 submitters: Uncertain significance (2). Last evaluated 2024-10-07.

Conditions:
Leber congenital amaurosis 12 (LCA12). Identifiers: Orphanet 65, MedGen C1857743, MONDO:0012525, OMIM 610612.

Allele frequency attached by ClinVar (database versions not stated): 1000 Genomes Project 30x 0.00016; 1000 Genomes Project 0.00020; TOPMed 0.00023; ExAC 0.00024; gnomAD 0.00025 and 0.00026; gnomAD exomes 0.00027 and 0.00033; ESP Exome Variant Server 0.00038.

Submissions (2):

Blueprint Genetics
Classification: Uncertain significance. Last evaluated: 2024-10-07. Review status: criteria provided, single submitter. Criteria: ACMG Guidelines, 2015. Collection method: clinical testing. Allele origin: germline.

Labcorp Genetics (formerly Invitae), Labcorp
Classification: Uncertain significance for Leber congenital amaurosis 12. Last evaluated: 2022-09-19. Review status: criteria provided, single submitter. Criteria: Invitae Variant Classification Sherloc (09022015). Collection method: clinical testing. Allele origin: germline.
Comment: This sequence change replaces arginine, which is basic and polar, with tryptophan, which is neutral and slightly polar, at codon 68 of the RD3 protein (p.Arg68Trp). This variant is present in population databases (rs144697496, gnomAD 0.07%). This missense change has been observed in individual(s) with retinitis pigmentosa (PMID: 17186464). ClinVar contains an entry for this variant (Variation ID: 466320). Algorithms developed to predict the effect of missense changes on protein structure and function (SIFT, PolyPhen-2, Align-GVGD) all suggest that this variant is likely to be disruptive. Experimental studies have shown that this missense change affects RD3 function (PMID: 21928830). In summary, the available evidence is currently insufficient to determine the role of this variant in disease. Therefore, it has been classified as a Variant of Uncertain Significance.

Literature cited by the submitters: PubMed 17186464 (cited by Labcorp Genetics (formerly Invitae), Labcorp); PubMed 21928830 (cited by Labcorp Genetics (formerly Invitae), Labcorp).